The following is an entry in ClinVar:

NM_000057.4(BLM):c.2312G>T (p.Cys771Phe)

Gene: BLM (BLM RecQ like helicase; plus strand). Cytogenetic location: 15q26.1.
Variant type: single nucleotide variant.
Coding change: c.2312G>T on transcript NM_000057.4 (MANE Select); coding-DNA position 2312, G replaced by T.
Protein change: p.Cys771Phe; replaces cysteine 771 with phenylalanine.
Molecular consequence: missense variant.
Genome position (GRCh38, 1-based): chr15:90,769,137, G>T. VCF-style: chr15-90769137-G-T. GRCh37 (hg19) VCF-style: chr15-91312367-G-T.
Other names: c.2312G>T, p.Cys771Phe (NM_001287246.2, NM_001287247.2); c.1187G>T, p.Cys396Phe (NM_001287248.2); short protein forms C771F, C396F.
Identifiers: ClinVar variation 2731520 (VCV002731520.3), dbSNP rs1555420831, ClinGen allele CA393845031.

ClinVar aggregate classification (germline): Uncertain significance (1 of 4 stars; one submission).

Conditions:
Bloom syndrome (BLM). Also called: Bloom-Torre-Machacek syndrome. Identifiers: Orphanet 125, MedGen C0005859, MONDO:0008876, OMIM 210900.

Submission:

Labcorp Genetics (formerly Invitae), Labcorp
Classification: Uncertain significance for Bloom syndrome. Last evaluated: 2024-05-12. Review status: criteria provided, single submitter. Criteria: Invitae Variant Classification Sherloc (09022015). Collection method: clinical testing. Allele origin: germline.
Comment: This sequence change replaces cysteine, which is neutral and slightly polar, with phenylalanine, which is neutral and non-polar, at codon 771 of the BLM protein (p.Cys771Phe). This variant is not present in population databases (gnomAD no frequency). This variant has not been reported in the literature in individuals affected with BLM-related conditions. Advanced modeling of protein sequence and biophysical properties (such as structural, functional, and spatial information, amino acid conservation, physicochemical variation, residue mobility, and thermodynamic stability) has been performed at Invitae for this missense variant, however the output from this modeling did not meet the statistical confidence thresholds required to predict the impact of this variant on BLM protein function. In summary, the available evidence is currently insufficient to determine the role of this variant in disease. Therefore, it has been classified as a Variant of Uncertain Significance.